The following is an entry in ClinVar:

NM_001365088.1(SLC12A6):c.1219_1220del (p.Gly407fs)

Gene: SLC12A6 (solute carrier family 12 member 6; minus strand). Cytogenetic location: 15q14.
Variant type: Deletion.
Coding change: c.1219_1220del on transcript NM_001365088.1 (MANE Select); coding-DNA positions 1219 to 1220, 2 bases deleted (GG; older notation c.1219_1220delGG).
Protein change: p.Gly407fs; shifts the reading frame from glycine 407.
Molecular consequence: frameshift variant.
Genome position (GRCh38, 1-based): chr15:34,252,283-34,252,284, CC deleted on the plus strand (GG on the coding strand, the reverse complement: SLC12A6 is on the minus strand); deleting any 2 consecutive bases within chr15:34,252,283-34,252,286 gives the same sequence; the c. name uses the placement nearest the transcript's 3' end. VCF-style (leftmost placement, unchanged base first): chr15-34252282-TCC-T. GRCh37 (hg19) VCF-style: chr15-34544483-TCC-T.
Other names: c.1042_1043del, p.Gly348fs (NM_001042494.2, NM_001042495.2); c.1192_1193del, p.Gly398fs (NM_001042496.2); c.1174_1175del, p.Gly392fs (NM_001042497.2); c.1066_1067del, p.Gly356fs (NM_005135.2); c.1219_1220del, p.Gly407fs (NM_133647.2); short protein forms G348fs, G356fs, G392fs, G398fs, G407fs.
Identifiers: ClinVar variation 1725068 (VCV001725068.2), dbSNP rs2509809254, ClinGen allele CA2580089294.
Genomic context (GRCh38, chr15:34,252,282, plus strand): 5'-ATTGTGAACAAAGTATTCATCACAGGTGGCATTGAAAAATTGACTCGAGTTACAGAAGAA[TCC>T]CCATAACTTTGATGGGACTGTCATGTTGTTAATTTCCTTGGTCTTAGAGCAAACGTCAAT-3'

ClinVar aggregate classification (germline): Likely pathogenic (1 of 4 stars; one submission).

Conditions:
Agenesis of the corpus callosum with peripheral neuropathy (ACCPN). Also called: CHARLEVOIX DISEASE; POLYNEUROPATHY, SENSORIMOTOR, WITH OR WITHOUT AGENESIS OF THE CORPUS CALLOSUM; HMSN/ACC; Hereditary Motor and Sensory Neuropathy with Agenesis of the Corpus Callosum. Identifiers: Orphanet 1496, MedGen C0795950, MONDO:0000902, OMIM 218000. Disease mechanism: loss of function.

Submission:

Myriad Genetics, Inc.
Classification: Likely pathogenic for Agenesis of the corpus callosum with peripheral neuropathy. Last evaluated: 2022-03-06. Review status: criteria provided, single submitter. Criteria: Myriad Women's Health Autosomal Recessive and X-Linked Classification Criteria (2021). Collection method: clinical testing. Allele origin: unknown.
Comment: NM_133647.1(SLC12A6):c.1219_1220delGG(G407Ifs*4) is expected to be pathogenic in the context of Andermann syndrome. This variant is predicted to lead to an abnormal or absent protein product due to the creation of a premature termination codon in SLC12A6, a gene where loss-of-function variants are known to be pathogenic. Please note: this variant was assessed in the context of healthy population screening.